The following is an entry in ClinVar:

NM_005228.5(EGFR):c.3575C>G (p.Ala1192Gly)

Gene: EGFR (epidermal growth factor receptor; plus strand). Cytogenetic location: 7p11.2.
Variant type: single nucleotide variant.
Coding change: c.3575C>G on transcript NM_005228.5 (MANE Select); coding-DNA position 3575, C replaced by G.
Protein change: p.Ala1192Gly; replaces alanine 1192 with glycine.
Molecular consequence: missense variant.
Genome position (GRCh38, 1-based): chr7:55,205,559, C>G. VCF-style: chr7-55205559-C-G. GRCh37 (hg19) VCF-style: chr7-55273252-C-G.
Other names: c.3440C>G, p.Ala1147Gly (NM_001346899.2); c.3416C>G, p.Ala1139Gly (NM_001346900.2); c.2774C>G, p.Ala925Gly (NM_001346941.2); short protein forms A1139G, A1147G, A1192G, A925G.
Identifiers: ClinVar variation 1009550 (VCV001009550.8), dbSNP rs1480173156, ClinGen allele CA367584926.
Genomic context (GRCh38, chr7:55,205,559, plus strand): 5'-ACCAGCAGGACTTCTTTCCCAAGGAAGCCAAGCCAAATGGCATCTTTAAGGGCTCCACAG[C>G]TGAAAATGCAGAATACCTAAGGGTCGCGCCACAAAGCAGTGAATTTATTGGAGCATGACC-3'
Protein context (NP_005219.2, residues 1182-1202): KPNGIFKGST[Ala1192Gly]ENAEYLRVAP

ClinVar aggregate classification (germline): Uncertain significance (1 of 4 stars; one submission).

Conditions:
EGFR-related lung cancer (EGFR). Identifiers: MedGen CN130014.

gnomAD v4.1: 1 of 1,614,194 alleles (0.000062%); highest among the groups gnomAD compares: Non-Finnish European, 0.000085%; no homozygotes.

Submission:

Labcorp Genetics (formerly Invitae), Labcorp
Classification: Uncertain significance for EGFR-related lung cancer. Last evaluated: 2020-08-06. Review status: criteria provided, single submitter. Criteria: Invitae Variant Classification Sherloc (09022015). Collection method: clinical testing. Allele origin: germline.
Comment: In summary, the available evidence is currently insufficient to determine the role of this variant in disease. Therefore, it has been classified as a Variant of Uncertain Significance. This sequence change replaces alanine with glycine at codon 1192 of the EGFR protein (p.Ala1192Gly). The alanine residue is moderately conserved and there is a small physicochemical difference between alanine and glycine. This variant is not present in population databases (ExAC no frequency). This variant has not been reported in the literature in individuals with EGFR-related conditions. Algorithms developed to predict the effect of missense changes on protein structure and function are either unavailable or do not agree on the potential impact of this missense change (SIFT: "Tolerated"; PolyPhen-2: "Probably Damaging"; Align-GVGD: "Class C0"). Algorithms developed to predict the effect of sequence changes on RNA splicing suggest that this variant may create or strengthen a splice site, but this prediction has not been confirmed by published transcriptional studies.